The following is an entry in ClinVar:

ClinVar aggregate classification (germline): Uncertain significance (1 of 4 stars; one submission).

Submission:

Labcorp Genetics (formerly Invitae), Labcorp
Classification: Uncertain significance. Last evaluated: 2021-07-13. Review status: criteria provided, single submitter. Criteria: Invitae Variant Classification Sherloc (09022015). Collection method: clinical testing. Allele origin: germline.
Comment: This variant is not present in population databases (ExAC no frequency). This sequence change replaces alanine with glycine at codon 1306 of the RUSC2 protein (p.Ala1306Gly). The alanine residue is moderately conserved and there is a small physicochemical difference between alanine and glycine. This variant has not been reported in the literature in individuals affected with RUSC2-related conditions. Algorithms developed to predict the effect of missense changes on protein structure and function output the following: SIFT: "Tolerated"; PolyPhen-2: "Benign"; Align-GVGD: "Class C0". The glycine amino acid residue is found in multiple mammalian species, which suggests that this missense change does not adversely affect protein function. In summary, the available evidence is currently insufficient to determine the role of this variant in disease. Therefore, it has been classified as a Variant of Uncertain Significance.

NM_014806.5(RUSC2):c.3917C>G (p.Ala1306Gly)

Gene: RUSC2 (RUN and SH3 domain containing 2; plus strand). Cytogenetic location: 9p13.3.
Variant type: single nucleotide variant.
Coding change: c.3917C>G on transcript NM_014806.5 (MANE Select); coding-DNA position 3917, C replaced by G.
Protein change: p.Ala1306Gly; replaces alanine 1306 with glycine.
Molecular consequence: missense variant. On other transcripts: non-coding transcript variant (1).
Genome position (GRCh38, 1-based): chr9:35,560,557, C>G. VCF-style: chr9-35560557-C-G. GRCh37 (hg19) VCF-style: chr9-35560554-C-G.
Other names: c.3917C>G, p.Ala1306Gly (NM_001135999.2); c.1283C>G, p.Ala428Gly (NM_001330740.2); short protein forms A428G, A1306G.
Identifiers: ClinVar variation 1405331 (VCV001405331.8), dbSNP rs2131707267, ClinGen allele CA373355626.